The following is an entry in ClinVar:

ClinVar aggregate classification (germline): Likely pathogenic (1 of 4 stars; one submission).

Conditions:
Ataxia-telangiectasia syndrome (AT). Also called: LOUIS-BAR SYNDROME; Cerebello-oculocutaneous telangiectasia; Immunodeficiency with ataxia telangiectasia; Ataxia-telangiectasia, complementation group D; AT, COMPLEMENTATION GROUP C; ATAXIA-TELANGIECTASIA, COMPLEMENTATION GROUP A. Identifiers: Orphanet 100, MedGen C0004135, MONDO:0008840, OMIM 208900.

Submission:

Women's Health and Genetics/Laboratory Corporation of America, LabCorp
Classification: Likely pathogenic for Ataxia-telangiectasia syndrome. Last evaluated: 2021-11-15. Review status: criteria provided, single submitter. Criteria: LabCorp Variant Classification Summary - May 2015. Collection method: clinical testing. Allele origin: germline.
Comment: Variant summary: The variant identified by MLPA or other technology involves the deletion of exons 10-13 in the ATM gene. A presumed nomenclature of c.(1235+1_1236-1)_(2124+1_2125-1)del has been designated for the purposes of this classification. Although exact breakpoints of this deletion are not known, it is expected to result in a frameshift in the ATM gene, a known mechanism of disease. The variant was absent in 18708 control chromosomes. To our knowledge, no occurrence of c.(1235+1_1236-1)_(2124+1_2125-1)del in individuals affected with ATM-related disorders and no experimental evidence demonstrating its impact on protein function have been reported. One clinical diagnostic laboratory has submitted clinical-significance assessments for this variant to ClinVar after 2014 without evidence for independent evaluation and classified the variant as pathogenic. Based on the evidence outlined above, the variant was classified as likely pathogenic.

NC_000011.9:g.(108119830_108121427)_(108124767_108126941)del

Gene: ATM (ATM serine/threonine kinase; plus strand). Cytogenetic location: 11q22.3.
Variant type: Deletion.
Identifiers: ClinVar variation 1328999 (VCV001328999.1).